The following is an entry in ClinVar:

NM_057175.5(NAA15):c.2291A>G (p.His764Arg)

Gene: NAA15 (N-alpha-acetyltransferase 15, NatA auxiliary subunit; plus strand). Cytogenetic location: 4q31.1.
Variant type: single nucleotide variant.
Coding change: c.2291A>G on transcript NM_057175.5 (MANE Select); coding-DNA position 2291, A replaced by G.
Protein change: p.His764Arg; replaces histidine 764 with arginine.
Molecular consequence: missense variant.
Genome position (GRCh38, 1-based): chr4:139,384,967, A>G. VCF-style: chr4-139384967-A-G. GRCh37 (hg19) VCF-style: chr4-140306121-A-G.
Other names: c.2288A>G, p.His763Arg (NM_001410842.1); c.*700A>G (NM_025085.2); short protein forms H764R, H763R.
Identifiers: ClinVar variation 2107145 (VCV002107145.4), dbSNP rs867324072, ClinGen allele CA106686473.

ClinVar aggregate classification (germline): Uncertain significance (1 of 4 stars; one submission).

Allele frequency attached by ClinVar (database versions not stated): gnomAD exomes 0.00003.
gnomAD v4.1: 14 of 1,550,378 alleles (0.0009%); highest among the groups gnomAD compares: East Asian, 0.032%; no homozygotes.

Submission:

Labcorp Genetics (formerly Invitae), Labcorp
Classification: Uncertain significance. Last evaluated: 2022-09-09. Review status: criteria provided, single submitter. Criteria: Invitae Variant Classification Sherloc (09022015). Collection method: clinical testing. Allele origin: germline.
Comment: This sequence change replaces histidine, which is basic and polar, with arginine, which is basic and polar, at codon 764 of the NAA15 protein (p.His764Arg). This variant is present in population databases (no rsID available, gnomAD 0.01%). This variant has not been reported in the literature in individuals affected with NAA15-related conditions. Algorithms developed to predict the effect of missense changes on protein structure and function are either unavailable or do not agree on the potential impact of this missense change (SIFT: "Deleterious"; PolyPhen-2: "Probably Damaging"; Align-GVGD: "Class C0"). In summary, the available evidence is currently insufficient to determine the role of this variant in disease. Therefore, it has been classified as a Variant of Uncertain Significance.